The following is an entry in ClinVar:

ClinVar aggregate classification (germline): Uncertain significance (1 of 4 stars; one submission).

Submission:

Labcorp Genetics (formerly Invitae), Labcorp
Classification: Uncertain significance. Last evaluated: 2021-12-21. Review status: criteria provided, single submitter. Criteria: Invitae Variant Classification Sherloc (09022015). Collection method: clinical testing. Allele origin: germline.
Comment: In summary, the available evidence is currently insufficient to determine the role of this variant in disease. Therefore, it has been classified as a Variant of Uncertain Significance. Algorithms developed to predict the effect of missense changes on protein structure and function are either unavailable or do not agree on the potential impact of this missense change (SIFT: "Deleterious"; PolyPhen-2: "Benign"; Align-GVGD: "Class C0"). This variant has not been reported in the literature in individuals affected with MYO5B-related conditions. This variant is not present in population databases (gnomAD no frequency). This sequence change replaces phenylalanine, which is neutral and non-polar, with leucine, which is neutral and non-polar, at codon 1824 of the MYO5B protein (p.Phe1824Leu).

NM_001080467.3(MYO5B):c.5470T>C (p.Phe1824Leu)

Genes: MYO5B (myosin VB; minus strand), SNHG22 (small nucleolar RNA host gene 22; plus strand). Cytogenetic location: 18q21.1.
Variant type: single nucleotide variant.
Coding change: c.5470T>C on transcript NM_001080467.3 (MANE Select); coding-DNA position 5470, T replaced by C.
Protein change: p.Phe1824Leu; replaces phenylalanine 1824 with leucine.
Molecular consequence: missense variant.
Genome position (GRCh38, 1-based): chr18:49,826,548, A>G on the plus strand (T>C on the coding strand, the complement: MYO5B is on the minus strand). VCF-style: chr18-49826548-A-G. GRCh37 (hg19) VCF-style: chr18-47352918-A-G.
Other names: short protein forms F1824L.
Identifiers: ClinVar variation 2051400 (VCV002051400.4), dbSNP rs2023848706, ClinGen allele CA402417686.
Genomic context (GRCh38, chr18:49,826,548, plus strand): 5'-ATTCCAGATTGAGACACGCTGGGATGTGGATTGAGTCCATGGTTAGAGAAGATGGATTAA[A>G]TGGAAACAAAACAGGAAACATGTGCTTGGCATCTAATAGCAGTTGCTGAGGGTCATTCCG-3'
Protein context (NP_001073936.1, residues 1814-1834): AKHMFPVLFP[Phe1824Leu]NPSSLTMDSI